The following is an entry in ClinVar:

ClinVar aggregate classification (germline): Likely pathogenic. Review status: criteria provided, multiple submitters, no conflicts (2 of 4 stars). 2 submissions from 2 submitters: Likely pathogenic (2). Last evaluated 2026-07-01.

Conditions:
Glycogen storage disease, type II (IOPD). Also called: CARDIOMEGALIA GLYCOGENICA DIFFUSA; GLYCOGENOSIS, GENERALIZED, CARDIAC FORM; GSD II; Glycogen storage disease type 2; Acid maltase deficiency disease; Aglucosidase alfa. Identifiers: Orphanet 365, MedGen C0017921, MONDO:0009290, OMIM 232300.

Submissions (2):

Genomenon, Inc
Classification: Likely pathogenic for Glycogen storage disease, type II. Last evaluated: 2026-07-01. Review status: criteria provided, single submitter. Criteria: Genomenon Sequence Variant Interpretation Standards - Updated. Collection method: curation. Allele origin: germline. Affected: yes.
Comment: GAA p.Asp489Tyr (c.1465G>T) is a missense variant that changes the amino acid at codon 489 from Aspartic acid to Tyrosine. This variant has been observed in at least one proband with a GAA-related disorder in the compound heterozygous and/or homozygous state (PMID:38043017;24269976;25626711). It is absent or not present at a significant frequency in gnomAD. In silico models predict that this variant is possibly or probably damaging. In conclusion, we classify GAA p.Asp489Tyr (c.1465G>T) as a likely pathogenic variant.

Myriad Genetics, Inc.
Classification: Likely pathogenic for Glycogen storage disease, type II. Last evaluated: 2025-09-03. Review status: criteria provided, single submitter. Criteria: Myriad Autosomal Dominant, Autosomal Recessive and X-Linked Classification Criteria (2023). Collection method: clinical testing. Allele origin: unknown.
Comment: NM_000152.3(GAA):c.1465G>T(D489Y) is a missense variant classified as likely pathogenic in the context of Pompe disease. D489Y has been observed in cases with relevant disease (PMID: 24269976, 38043017). Relevant functional assessments of this variant are not available in the literature. D489Y has not been observed in referenced population frequency databases. In summary, NM_000152.3(GAA):c.1465G>T(D489Y) is a missense variant that has internal structural support for pathogenicity and has been observed more frequently in cases with the relevant disease than in healthy populations. Please note: this variant was assessed in the context of healthy population screening.

Literature cited by the submitters: PubMed 38043017 (cited by Genomenon, Inc and Myriad Genetics, Inc.); PubMed 24269976 (cited by Genomenon, Inc and Myriad Genetics, Inc.); PubMed 25626711 (cited by Genomenon, Inc).

NM_000152.5(GAA):c.1465G>T (p.Asp489Tyr)

Gene: GAA (alpha glucosidase; plus strand). Cytogenetic location: 17q25.3.
Variant type: single nucleotide variant.
Coding change: c.1465G>T on transcript NM_000152.5 (MANE Select); coding-DNA position 1465, G replaced by T.
Protein change: p.Asp489Tyr; replaces aspartic acid 489 with tyrosine.
Molecular consequence: missense variant.
Genome position (GRCh38, 1-based): chr17:80,110,754, G>T. VCF-style: chr17-80110754-G-T. GRCh37 (hg19) VCF-style: chr17-78084553-G-T.
Other names: c.1465G>T, p.Asp489Tyr (NM_001079803.3, NM_001079804.3, NM_001406741.1 and 1 more transcripts); short protein forms D489Y.
Identifiers: ClinVar variation 4876473 (VCV004876473.2).
Genomic context (GRCh38, chr17:80,110,754, plus strand): 5'-CGGGTCTCCCCACTGCAGCCTCTCGTTGTCCAGGTATGGCCCGGGTCCACTGCCTTCCCC[G>T]ACTTCACCAACCCCACAGCCCTGGCCTGGTGGGAGGACATGGTGGCTGAGTTCCATGACC-3'
Protein context (NP_000143.2, residues 479-499): KVWPGSTAFP[Asp489Tyr]FTNPTALAWW